The following is an entry in ClinVar:

NM_001457.4(FLNB):c.1091T>A (p.Leu364Ter)

Gene: FLNB (filamin B; plus strand). Cytogenetic location: 3p14.3.
Variant type: single nucleotide variant.
Coding change: c.1091T>A on transcript NM_001457.4 (MANE Select); coding-DNA position 1091, T replaced by A.
Protein change: p.Leu364Ter; replaces leucine 364 with a stop codon.
Molecular consequence: nonsense.
Genome position (GRCh38, 1-based): chr3:58,097,921, T>A. VCF-style: chr3-58097921-T-A. GRCh37 (hg19) VCF-style: chr3-58083648-T-A.
Other names: c.1091T>A, p.Leu364Ter (NM_001164317.2, NM_001164318.2, NM_001164319.2); short protein forms L364*.
Identifiers: ClinVar variation 2814280 (VCV002814280.3), dbSNP rs2471050696, ClinGen allele CA353335786.
Genomic context (GRCh38, chr3:58,097,921, plus strand): 5'-AAGTGAGTGTTGACAAGGCCCAGGGAGATGCCAGTAAAGTCACTGCAAAAGGTCCAGGGT[T>A]GGAAGCTGTAGGGAACATCGCCAATAAGCCCACCTACTTTGACATCTATACGGCAGGTAA-3'

ClinVar aggregate classification (germline): Pathogenic (1 of 4 stars; one submission).

Allele frequency attached by ClinVar (database versions not stated): gnomAD exomes below 0.00001.
gnomAD v4.1: 1 of 1,614,182 alleles (0.000062%); highest among the groups gnomAD compares: Non-Finnish European, 0.000085%; no homozygotes.

Submission:

Labcorp Genetics (formerly Invitae), Labcorp
Classification: Pathogenic. Last evaluated: 2023-10-10. Review status: criteria provided, single submitter. Criteria: Invitae Variant Classification Sherloc (09022015). Collection method: clinical testing. Allele origin: germline.
Comment: This sequence change creates a premature translational stop signal (p.Leu364*) in the FLNB gene. It is expected to result in an absent or disrupted protein product. Loss-of-function variants in FLNB are known to be pathogenic (PMID: 14991055). This variant is not present in population databases (gnomAD no frequency). This variant has not been reported in the literature in individuals affected with FLNB-related conditions. For these reasons, this variant has been classified as Pathogenic.

Literature cited by the submitters: PubMed 14991055.